The following is an entry in ClinVar:

ClinVar aggregate classification (germline): Uncertain significance. Review status: criteria provided, multiple submitters, no conflicts (2 of 4 stars). 3 submissions from 3 submitters: Uncertain significance (3). Last evaluated 2026-05-01.

Conditions:
Inborn genetic diseases. Identifiers: MedGen C0950123, MeSH D030342.

Allele frequency attached by ClinVar (database versions not stated): gnomAD exomes below 0.00001; TOPMed 0.00001.
gnomAD v4.1: 1 of 1,613,796 alleles (0.000062%); highest among the groups gnomAD compares: South Asian, 0.0011%; no homozygotes.

Submissions (3):

CeGaT Center for Human Genetics Tuebingen
Classification: Uncertain significance. Last evaluated: 2026-05-01. Review status: criteria provided, single submitter. Criteria: CeGaT Center For Human Genetics Tuebingen Variant Classification Criteria Version 2. Collection method: clinical testing. Allele origin: germline. Affected: yes. Observed: 1 variant allele.
Comment: ASXL1: PM2, BP4

Ambry Genetics
Classification: Uncertain significance for Inborn genetic diseases. Last evaluated: 2025-01-06. Review status: criteria provided, single submitter. Criteria: Ambry Variant Classification Scheme 2023. Collection method: clinical testing. Allele origin: germline.
Comment: The p.S1489C variant (also known as c.4466C>G), located in coding exon 13 of the ASXL1 gene, results from a C to G substitution at nucleotide position 4466. The serine at codon 1489 is replaced by cysteine, an amino acid with dissimilar properties. This amino acid position is conserved. In addition, this alteration is predicted to be tolerated by in silico analysis. Based on the available evidence, the clinical significance of this variant remains unclear.

GeneDx
Classification: Uncertain significance. Last evaluated: 2022-03-07. Review status: criteria provided, single submitter. Criteria: GeneDx Variant Classification Process June 2021. Collection method: clinical testing. Allele origin: germline. Affected: yes.
Comment: Not observed at significant frequency in large population cohorts (gnomAD); In silico analysis supports that this missense variant has a deleterious effect on protein structure/function; Has not been previously published as pathogenic or benign to our knowledge

NM_015338.6(ASXL1):c.4466C>G (p.Ser1489Cys)

Gene: ASXL1 (ASXL transcriptional regulator 1; plus strand). Cytogenetic location: 20q11.21.
Variant type: single nucleotide variant.
Coding change: c.4466C>G on transcript NM_015338.6 (MANE Select); coding-DNA position 4466, C replaced by G.
Protein change: p.Ser1489Cys; replaces serine 1489 with cysteine.
Molecular consequence: missense variant.
Genome position (GRCh38, 1-based): chr20:32,437,178, C>G. VCF-style: chr20-32437178-C-G. GRCh37 (hg19) VCF-style: chr20-31024981-C-G.
Other names: c.4283C>G, p.Ser1428Cys (NM_001363734.1); short protein forms S1428C, S1489C.
Identifiers: ClinVar variation 1704879 (VCV001704879.5), dbSNP rs1205345035, ClinGen allele CA408565224.